The following is an entry in ClinVar:

NM_006096.4(NDRG1):c.205+2T>A

Gene: NDRG1 (N-myc downstream regulated 1; minus strand). Cytogenetic location: 8q24.22.
Variant type: single nucleotide variant.
Coding change: c.205+2T>A on transcript NM_006096.4 (MANE Select); the canonical splice donor site of the intron after coding-DNA position 205, T replaced by A.
Molecular consequence: splice donor variant. On other transcripts: intron variant (1).
Genome position (GRCh38, 1-based): chr8:133,264,545, A>T on the plus strand (T>A on the coding strand, the complement: NDRG1 is on the minus strand). VCF-style: chr8-133264545-A-T. GRCh37 (hg19) VCF-style: chr8-134276788-A-T.
Other names: c.7+2T>A (NM_001258432.2, NM_001374847.1); c.-38-2378T>A (NM_001258433.2); c.205+2T>A (NM_001374844.1, NM_001135242.2, NM_001374845.1 and 1 more transcripts).
Identifiers: ClinVar variation 1073568 (VCV001073568.9), dbSNP rs1586451553, ClinGen allele CA372256419.

ClinVar aggregate classification (germline): Pathogenic (1 of 4 stars; one submission).

Conditions:
Charcot-Marie-Tooth disease type 4. Also called: Charcot-Marie-Tooth, Type 4; Charcot-Marie-Tooth disease, type IV. Identifiers: Orphanet 64749, MedGen C4082197, MONDO:0018995.

Submission:

Labcorp Genetics (formerly Invitae), Labcorp
Classification: Pathogenic for Charcot-Marie-Tooth disease type 4. Last evaluated: 2020-08-06. Review status: criteria provided, single submitter. Criteria: Invitae Variant Classification Sherloc (09022015). Collection method: clinical testing. Allele origin: germline.
Comment: Donor and acceptor splice site variants typically lead to a loss of protein function (PMID: 16199547), and loss-of-function variants in NDRG1 are known to be pathogenic (PMID: 12872253, 23996628). For these reasons, this variant has been classified as Pathogenic. Algorithms developed to predict the effect of sequence changes on RNA splicing suggest that this variant may disrupt the consensus splice site, but this prediction has not been confirmed by published transcriptional studies. Disruption of this splice site has been observed in individual(s) with NDRG1-related neuropathy (Invitae). This variant is not present in population databases (ExAC no frequency). This sequence change affects a donor splice site in intron 4 of the NDRG1 gene. It is expected to disrupt RNA splicing and likely results in an absent or disrupted protein product.

Literature cited by the submitters: PubMed 16199547; PubMed 12872253; PubMed 23996628.